The following is an entry in ClinVar:

NM_000257.4(MYH7):c.2482C>T (p.Pro828Ser)

Genes: MYH7 (myosin heavy chain 7; minus strand), LOC126861898 (BRD4-independent group 4 enhancer GRCh37_chr14:23893609-23894808; plus strand). Cytogenetic location: 14q11.2.
Variant type: single nucleotide variant.
Coding change: c.2482C>T on transcript NM_000257.4 (MANE Select); coding-DNA position 2482, C replaced by T.
Protein change: p.Pro828Ser; replaces proline 828 with serine.
Molecular consequence: missense variant.
Genome position (GRCh38, 1-based): chr14:23,424,966, G>A on the plus strand (C>T on the coding strand, the complement: MYH7 is on the minus strand). VCF-style: chr14-23424966-G-A. GRCh37 (hg19) VCF-style: chr14-23894175-G-A.
Other names: c.2482C>T, p.Pro828Ser (NM_001407004.1); short protein forms P828S.
Identifiers: ClinVar variation 3385240 (VCV003385240.2).
Genomic context (GRCh38, chr14:23,424,966, plus strand): 5'-CCTTCTCTCTTTCTGCACTCTTCAGCAGCGGCTTGATCTTGAAGTAGAGCTTCATCCAGG[G>A]CCAATTCTTGACCCCCATGAAGGCCCGAATGTTCCACTGGATTACCAGCAGGGAGTCTCT-3'
Protein context (NP_000248.2, residues 818-838): IRAFMGVKNW[Pro828Ser]WMKLYFKIKP

ClinVar aggregate classification (germline): Uncertain significance. Review status: criteria provided, multiple submitters, no conflicts (2 of 4 stars). 2 submissions from 2 submitters: Uncertain significance (2). Last evaluated 2025-05-03.

Conditions:
Cardiovascular phenotype. Identifiers: MedGen CN230736.

Submissions (2):

Ambry Genetics
Classification: Uncertain significance for Cardiovascular phenotype. Last evaluated: 2025-05-03. Review status: criteria provided, single submitter. Criteria: Ambry Variant Classification Scheme 2023. Collection method: clinical testing. Allele origin: germline.
Comment: The p.P828S variant (also known as c.2482C>T), located in coding exon 20 of the MYH7 gene, results from a C to T substitution at nucleotide position 2482. The proline at codon 828 is replaced by serine, an amino acid with similar properties. This variant has been reported in individuals with hypertrophic cardiomyopathy (HCM) (Coto E et al. J Mol Diagn, 2012 Sep;14:518-24; G&oacute;mez J et al. Circ Cardiovasc Genet, 2017 Apr;10:;Ho CY et al. Circulation, 2018 Oct;138:1387-1398). This alteration is located in the myosin head domain, which contains a statistically significant clustering of pathogenic missense variants (Homburger JR et al. Proc Natl Acad Sci U S A, 2016 06;113:6701-6; Walsh R et al. Genet Med, 2017 02;19:192-203; Ambry internal data). This amino acid position is highly conserved in available vertebrate species. In addition, this alteration is predicted to be deleterious by in silico analysis. Based on the available evidence, the clinical significance of this variant remains unclear.

Women's Health and Genetics/Laboratory Corporation of America, LabCorp
Classification: Uncertain significance. Last evaluated: 2024-10-17. Review status: criteria provided, single submitter. Criteria: LabCorp Variant Classification Summary - May 2015. Collection method: clinical testing. Allele origin: germline.
Comment: Variant summary: MYH7 c.2482C>T (p.Pro828Ser) results in a non-conservative amino acid change in the encoded protein sequence. Four of five in-silico tools predict a damaging effect of the variant on protein function. The frequency data for this variant in gnomAD is considered unreliable, as metrics indicate poor data quality at this position. c.2482C>T has been reported in the literature in individuals affected with Hypertrophic Cardiomyopathy (Coto_2012, Gmez_2017, Ho_2018). These reports do not provide unequivocal conclusions about association of the variant with Cardiomyopathy. To our knowledge, no experimental evidence demonstrating an impact on protein function has been reported. The following publications have been ascertained in the context of this evaluation (PMID: 22765922, 28356264, 30297972). No submitters have cited clinical-significance assessments for this variant to ClinVar. Based on the evidence outlined above, the variant was classified as uncertain significance.

Literature cited by the submitters: PubMed 22765922 (cited by Ambry Genetics and Women's Health and Genetics/Laboratory Corporation of America, LabCorp); PubMed 28356264 (cited by Ambry Genetics and Women's Health and Genetics/Laboratory Corporation of America, LabCorp); PubMed 30297972 (cited by Ambry Genetics and Women's Health and Genetics/Laboratory Corporation of America, LabCorp).